The following is an entry in ClinVar:

NC_000016.9:g.(?_1248605)_(1270994_?)dup

Gene: CACNA1H (calcium voltage-gated channel subunit alpha1 H; plus strand). Cytogenetic location: 16p13.3.
Variant type: Duplication.
Identifiers: ClinVar variation 1023830 (VCV001023830.1).

ClinVar aggregate classification (germline): Uncertain significance (1 of 4 stars; one submission).

Conditions:
Idiopathic generalized epilepsy. Also called: EIG; Generalised epilepsy. Identifiers: MedGen C0270850, MONDO:0005579, OMIM 600669.
Hyperaldosteronism, familial, type IV (HALD4). Also called: FH IV; ALDOSTERONISM, PRIMARY, AND HYPERTENSION. Identifiers: Orphanet 642671, MedGen C4310756, MONDO:0014875, OMIM 617027.

Submission:

Labcorp Genetics (formerly Invitae), Labcorp
Classification: Uncertain significance for Idiopathic generalized epilepsy; Hyperaldosteronism, familial, type IV. Last evaluated: 2020-10-06. Review status: criteria provided, single submitter. Criteria: Invitae Variant Classification Sherloc (09022015). Collection method: clinical testing. Allele origin: germline.
Comment: This variant results in a copy number gain of the genomic region encompassing exon(s) 6-35 of the CACNA1H gene. The 5' boundary is likely confined to intron 5. The 3' end of this event is unknown as it extends beyond the assayed region for this gene and therefore may encompass additional genes. As the precise location of this event is unknown, it may be in tandem or it may be located elsewhere in the genome. This variant has not been reported in the literature in individuals with CACNA1H-related conditions. Experimental studies and prediction algorithms are not available or were not evaluated, and the functional significance of this variant is currently unknown. In summary, the available evidence is currently insufficient to determine the role of this variant in disease. Therefore, it has been classified as a Variant of Uncertain Significance.